The following is an entry in ClinVar:

NM_004415.4(DSP):c.6391T>G (p.Ser2131Ala)

Gene: DSP (desmoplakin; plus strand). Cytogenetic location: 6p24.3.
Variant type: single nucleotide variant.
Coding change: c.6391T>G on transcript NM_004415.4 (MANE Select); coding-DNA position 6391, T replaced by G.
Protein change: p.Ser2131Ala; replaces serine 2131 with alanine.
Molecular consequence: missense variant.
Genome position (GRCh38, 1-based): chr6:7,583,653, T>G. VCF-style: chr6-7583653-T-G. GRCh37 (hg19) VCF-style: chr6-7583886-T-G.
Other names: c.4594T>G, p.Ser1532Ala (NM_001008844.3); c.5062T>G, p.Ser1688Ala (NM_001319034.2); short protein forms S1532A, S1688A, S2131A.
Identifiers: ClinVar variation 4870126 (VCV004870126.1).
Genomic context (GRCh38, chr6:7,583,653, plus strand): 5'-ATCAAGAAAAATTTGATTGATAGAGAAACCGGAATGCGCCTGCTGGAAGCCCAGATTGCT[T>G]CAGGGGGTGTAGTAGACCCTGTGAACAGTGTCTTTTTGCCAAAAGATGTCGCCTTGGCCC-3'
Protein context (NP_004406.2, residues 2121-2141): GMRLLEAQIA[Ser2131Ala]GGVVDPVNSV

ClinVar aggregate classification (germline): Uncertain significance (1 of 4 stars; one submission).

Conditions:
Cardiovascular phenotype. Identifiers: MedGen CN230736.

Submission:

Ambry Genetics
Classification: Uncertain significance for Cardiovascular phenotype. Last evaluated: 2026-04-20. Review status: criteria provided, single submitter. Criteria: Ambry Variant Classification Scheme 2023. Collection method: clinical testing. Allele origin: germline.
Comment: The p.S2131A variant (also known as c.6391T>G), located in coding exon 24 of the DSP gene, results from a T to G substitution at nucleotide position 6391. The serine at codon 2131 is replaced by alanine, an amino acid with similar properties. This amino acid position is conserved. In addition, this alteration is predicted to be tolerated by in silico analysis. Based on the available evidence, the clinical significance of this variant remains unclear.